The following is an entry in ClinVar:

ClinVar aggregate classification (germline): Likely pathogenic (1 of 4 stars; one submission).

Conditions:
CUL4B-related disorder. Also called: CUL4B-related condition.

Submission:

PreventionGenetics, part of Exact Sciences
Classification: Likely pathogenic for CUL4B-related condition. Last evaluated: 2025-11-07. Review status: criteria provided, single submitter. Criteria: ACMG Guidelines, 2015. Collection method: clinical testing. Allele origin: germline.
Comment: The CUL4B c.2244dupT variant is predicted to result in a frameshift and premature protein termination (p.Gln749Serfs*9). To our knowledge, this variant has not been reported in the literature or in a large population database (gnomAD), indicating this variant is rare. Frameshift variants in CUL4B are expected to be pathogenic. Of note, frameshift variants upstream and downstream of this variant have been reported as causative for X-linked intellectual disability (Vulto-van Silfhout et al. 2015. PubMed ID: 25385192; Tarpey et al. 2007. PubMed ID: 17236139 ). This variant is interpreted as likely pathogenic.

NM_001079872.2(CUL4B):c.2190dup (p.Gln731fs)

Gene: CUL4B (cullin 4B; minus strand). Cytogenetic location: Xq24.
Variant type: Duplication.
Coding change: c.2190dup on transcript NM_001079872.2 (MANE Select); coding-DNA position 2190, one base duplicated (T; older notation c.2190dupT).
Protein change: p.Gln731fs; shifts the reading frame from glutamine 731.
Molecular consequence: frameshift variant.
Genome position (GRCh38, 1-based): chrX:120,534,557, A duplicated on the plus strand (T on the coding strand, the reverse complement: CUL4B is on the minus strand); the first of 5 consecutive A bases (chrX:120,534,557-120,534,561); duplicating any one gives the same sequence. VCF-style (leftmost placement, unchanged base first): chrX-120534556-G-GA. GRCh37 (hg19) VCF-style: chrX-119668411-G-GA.
Other names: c.2205dup, p.Gln736fs (NM_001330624.2); c.1656dup, p.Gln553fs (NM_001369145.1); c.2244dup, p.Gln749fs (NM_003588.4); short protein forms Q731fs, Q553fs, Q736fs, Q749fs.
Identifiers: ClinVar variation 4983601 (VCV004983601.1).